The following is an entry in ClinVar:

ClinVar aggregate classification (germline): Uncertain significance (1 of 4 stars; one submission).

Conditions:
Lethal multiple pterygium syndrome (LMPS). Identifiers: Orphanet 33108, MedGen C1854678, MONDO:0009668, OMIM 253290.

Submission:

Labcorp Genetics (formerly Invitae), Labcorp
Classification: Uncertain significance for Lethal multiple pterygium syndrome. Last evaluated: 2026-01-24. Review status: criteria provided, single submitter. Criteria: Invitae Variant Classification Sherloc (09022015). Collection method: clinical testing. Allele origin: germline.
Comment: This sequence change replaces tyrosine, which is neutral and polar, with phenylalanine, which is neutral and non-polar, at codon 507 of the CHRND protein (p.Tyr507Phe). This variant is not present in population databases (gnomAD no frequency). This variant has not been reported in the literature in individuals affected with CHRND-related conditions. Invitae Evidence Modeling of protein sequence and biophysical properties (such as structural, functional, and spatial information, amino acid conservation, physicochemical variation, residue mobility, and thermodynamic stability) indicates that this missense variant is not expected to disrupt CHRND protein function with a negative predictive value of 95%. In summary, the available evidence is currently insufficient to determine the role of this variant in disease. Therefore, it has been classified as a Variant of Uncertain Significance.

NM_000751.3(CHRND):c.1520A>T (p.Tyr507Phe)

Gene: CHRND (cholinergic receptor nicotinic delta subunit; plus strand). Cytogenetic location: 2q37.1.
Variant type: single nucleotide variant.
Coding change: c.1520A>T on transcript NM_000751.3 (MANE Select); coding-DNA position 1520, A replaced by T.
Protein change: p.Tyr507Phe; replaces tyrosine 507 with phenylalanine.
Molecular consequence: missense variant.
Genome position (GRCh38, 1-based): chr2:232,535,278, A>T. VCF-style: chr2-232535278-A-T. GRCh37 (hg19) VCF-style: chr2-233399988-A-T.
Other names: c.1475A>T, p.Tyr492Phe (NM_001256657.2); c.938A>T, p.Tyr313Phe (NM_001311195.2); c.1217A>T, p.Tyr406Phe (NM_001311196.2); short protein forms Y313F, Y406F, Y492F, Y507F.
Identifiers: ClinVar variation 4800373 (VCV004800373.1).